The following is an entry in ClinVar:

ClinVar aggregate classification (germline): Uncertain significance (1 of 4 stars; one submission).

Conditions:
Hereditary pheochromocytoma and paraganglioma. Also called: Hereditary pheochromocytoma-paraganglioma; Hereditary Paraganglioma-Pheochromocytoma Syndromes; Hereditary paragangliomas and pheochromocytomas. Identifiers: Orphanet 29072, MedGen C4274332, MONDO:0017366.

Submission:

Labcorp Genetics (formerly Invitae), Labcorp
Classification: Uncertain significance for Hereditary pheochromocytoma and paraganglioma. Last evaluated: 2025-04-27. Review status: criteria provided, single submitter. Criteria: Invitae Variant Classification Sherloc (09022015). Collection method: clinical testing. Allele origin: germline.
Comment: This sequence change replaces proline, which is neutral and non-polar, with alanine, which is neutral and non-polar, at codon 24 of the TMEM127 protein (p.Pro24Ala). This variant is not present in population databases (gnomAD no frequency). This variant has not been reported in the literature in individuals affected with TMEM127-related conditions. Experimental studies and prediction algorithms are not available or were not evaluated, and the functional significance of this variant is currently unknown. In summary, the available evidence is currently insufficient to determine the role of this variant in disease. Therefore, it has been classified as a Variant of Uncertain Significance.

NM_017849.4(TMEM127):c.70C>G (p.Pro24Ala)

Genes: TMEM127 (transmembrane protein 127; minus strand), LOC129934333 (ATAC-STARR-seq lymphoblastoid silent region 11759; plus strand). Cytogenetic location: 2q11.2.
Variant type: single nucleotide variant.
Coding change: c.70C>G on transcript NM_017849.4 (MANE Select); coding-DNA position 70, C replaced by G.
Protein change: p.Pro24Ala; replaces proline 24 with alanine.
Molecular consequence: missense variant. On other transcripts: intron variant (1).
Genome position (GRCh38, 1-based): chr2:96,265,312, G>C on the plus strand (C>G on the coding strand, the complement: TMEM127 is on the minus strand). VCF-style: chr2-96265312-G-C. GRCh37 (hg19) VCF-style: chr2-96931050-G-C.
Other names: c.70C>G, p.Pro24Ala (NM_001193304.3); c.-9+557C>G (NM_001407283.1); short protein forms P24A.
Identifiers: ClinVar variation 4718374 (VCV004718374.1).
Genomic context (GRCh38, chr2:96,265,312, plus strand): 5'-GCGCCGTGATAGACAGGGCGCCAGGCAGGGCCGAGGCCAGGCTACGCTCCGGCTGCTTGG[G>C]CAGAGCGCTGCCTCCCGGGCTCCTCCGCCGGCGCCCGCCGGGCAGCCCTGCGCCTCCGGG-3'
Protein context (NP_060319.1, residues 14-34): RRRSPGGSAL[Pro24Ala]KQPERSLASA